The following is an entry in ClinVar:

NM_014915.3(ANKRD26):c.2886G>C (p.Gln962His)

Gene: ANKRD26 (ankyrin repeat domain 26; minus strand). Cytogenetic location: 10p12.1.
Variant type: single nucleotide variant.
Coding change: c.2886G>C on transcript NM_014915.3 (MANE Select); coding-DNA position 2886, G replaced by C.
Protein change: p.Gln962His; replaces glutamine 962 with histidine.
Molecular consequence: missense variant.
Genome position (GRCh38, 1-based): chr10:27,035,564, C>G on the plus strand (G>C on the coding strand, the complement: ANKRD26 is on the minus strand). VCF-style: chr10-27035564-C-G. GRCh37 (hg19) VCF-style: chr10-27324493-C-G.
Other names: c.2883G>C, p.Gln961His (NM_001256053.2); short protein forms Q961H, Q962H.
Identifiers: ClinVar variation 2968083 (VCV002968083.5), dbSNP rs2538766502, ClinGen allele CA376365092.

ClinVar aggregate classification (germline): Uncertain significance. Review status: criteria provided, multiple submitters, no conflicts (2 of 4 stars). 3 submissions from 3 submitters: Uncertain significance (3). Last evaluated 2025-01-24.

Conditions:
Inborn genetic diseases. Identifiers: MedGen C0950123, MeSH D030342.

Submissions (3):

Ambry Genetics
Classification: Uncertain significance for Inborn genetic diseases. Last evaluated: 2025-01-24. Review status: criteria provided, single submitter. Criteria: Ambry Variant Classification Scheme 2023. Collection method: clinical testing. Allele origin: germline.
Comment: The p.Q962H variant (also known as c.2886G>C), located in coding exon 24 of the ANKRD26 gene, results from a G to C substitution at nucleotide position 2886. The glutamine at codon 962 is replaced by histidine, an amino acid with highly similar properties. This amino acid position is conserved. In addition, this alteration is predicted to be tolerated by in silico analysis. Based on the available evidence, the clinical significance of this variant remains unclear.

GeneDx
Classification: Uncertain significance. Last evaluated: 2024-05-08. Review status: criteria provided, single submitter. Criteria: GeneDx Variant Classification Process June 2021. Collection method: clinical testing. Allele origin: germline. Affected: yes.
Comment: Not observed at significant frequency in large population cohorts (gnomAD); In silico analysis indicates that this missense variant does not alter protein structure/function; Has not been previously published as pathogenic or benign to our knowledge

Labcorp Genetics (formerly Invitae), Labcorp
Classification: Uncertain significance. Last evaluated: 2024-01-11. Review status: criteria provided, single submitter. Criteria: Invitae Variant Classification Sherloc (09022015). Collection method: clinical testing. Allele origin: germline.
Comment: This sequence change replaces glutamine, which is neutral and polar, with histidine, which is basic and polar, at codon 962 of the ANKRD26 protein (p.Gln962His). This variant is not present in population databases (gnomAD no frequency). This variant has not been reported in the literature in individuals affected with ANKRD26-related conditions. An algorithm developed to predict the effect of missense changes on protein structure and function (PolyPhen-2) suggests that this variant is likely to be disruptive. In summary, the available evidence is currently insufficient to determine the role of this variant in disease. Therefore, it has been classified as a Variant of Uncertain Significance.